The following is an entry in ClinVar:

NM_002474.3(MYH11):c.5118G>A (p.Ala1706=)

Genes: MYH11 (myosin heavy chain 11; minus strand), NDE1 (nudE neurodevelopment protein 1; plus strand). Cytogenetic location: 16p13.11.
Variant type: single nucleotide variant.
Coding change: c.5118G>A on transcript NM_002474.3 (MANE Select); coding-DNA position 5118, G replaced by A.
Protein change: p.Ala1706=; no amino-acid change (alanine 1706 retained).
Molecular consequence: synonymous variant. On other transcripts: intron variant (2).
Genome position (GRCh38, 1-based): chr16:15,719,273, C>T on the plus strand (G>A on the coding strand, the complement: MYH11 is on the minus strand). VCF-style: chr16-15719273-C-T. GRCh37 (hg19) VCF-style: chr16-15813130-C-T.
Other names: c.5139G>A, p.Ala1713= (NM_001040113.2, NM_001040114.2); c.5118G>A, p.Ala1706= (NM_022844.3); c.948-4918C>T (NM_001143979.2, NM_017668.3).
Identifiers: ClinVar variation 926811 (VCV000926811.14), dbSNP rs147582612, ClinGen allele CA7921412.

ClinVar aggregate classification (germline): Benign/Likely benign. Review status: criteria provided, multiple submitters, no conflicts (2 of 4 stars). 5 submissions from 5 submitters: Benign (1); Likely benign (4). Last evaluated 2025-11-08.

Conditions:
Familial thoracic aortic aneurysm and aortic dissection (TAAD). Also called: Thoracic aortic aneurysms and dissections. Identifiers: Orphanet 91387, MedGen C4707243, MONDO:0019625.
Aortic aneurysm, familial thoracic 4 (AAT4). Also called: AORTIC ANEURYSM/AORTIC DISSECTION AND PATENT DUCTUS ARTERIOSUS. Identifiers: MedGen C1851504, MONDO:0007568, OMIM 132900.

Allele frequency attached by ClinVar (database versions not stated): ESP Exome Variant Server 0.00015.
gnomAD v4.1: 48 of 1,612,886 alleles (0.003%); highest among the groups gnomAD compares: African/African-American, 0.028%; no homozygotes.

Submissions (5):

Labcorp Genetics (formerly Invitae), Labcorp
Classification: Likely benign for Aortic aneurysm, familial thoracic 4. Last evaluated: 2025-11-08. Review status: criteria provided, single submitter. Criteria: Invitae Variant Classification Sherloc (09022015). Collection method: clinical testing. Allele origin: germline.

Women's Health and Genetics/Laboratory Corporation of America, LabCorp
Classification: Benign. Last evaluated: 2024-06-09. Review status: criteria provided, single submitter. Criteria: LabCorp Variant Classification Summary - May 2015. Collection method: clinical testing. Allele origin: germline.

All of Us Research Program, National Institutes of Health
Classification: Likely benign for Familial thoracic aortic aneurysm and aortic dissection. Last evaluated: 2024-02-05. Review status: criteria provided, single submitter. Criteria: ACMG Guidelines, 2015. Collection method: clinical testing. Allele origin: germline. Inheritance: Autosomal dominant inheritance. Observed: 15 variant alleles, 15 heterozygotes.
Comment: This study involves interpretation of variants in research participants for the purpose of population health screening. Participant phenotype was not available at the time of variant classification. Additional details can be found in publication PMID: 35346344, PMCID: PMC8962531

Ambry Genetics
Classification: Likely benign for Familial thoracic aortic aneurysm and aortic dissection. Last evaluated: 2022-06-09. Review status: criteria provided, single submitter. Criteria: Ambry Variant Classification Scheme 2023. Collection method: clinical testing. Allele origin: germline.

Color Diagnostics, LLC DBA Color Health
Classification: Likely benign for Familial thoracic aortic aneurysm and aortic dissection. Last evaluated: 2020-04-13. Review status: criteria provided, single submitter. Criteria: ACMG Guidelines, 2015. Collection method: clinical testing. Allele origin: germline.